The following is an entry in ClinVar:

NC_000012.12:g.121626871G>T

Genes: ORAI1 (ORAI calcium release-activated calcium modulator 1; plus strand), LOC130008987 (ATAC-STARR-seq lymphoblastoid silent region 4981; plus strand). Cytogenetic location: 12q24.31.
Variant type: single nucleotide variant.
Genome position: GRCh38 VCF-style: chr12-121626871-G-T. GRCh37 (hg19) VCF-style: chr12-122064771-G-T.
Other names: c.124G>T, p.Ala42Ser (NM_032790.4); short protein forms A42S.
Identifiers: ClinVar variation 835802 (VCV000835802.8), dbSNP rs782427834, ClinGen allele CA386980792.

ClinVar aggregate classification (germline): Uncertain significance (1 of 4 stars; one submission).

Conditions:
Myopathy, tubular aggregate, 2 (TAM2). Identifiers: MedGen C4014557, MONDO:0014383, OMIM 615883.
Combined immunodeficiency due to ORAI1 deficiency. Also called: IMMUNODEFICIENCY 9. Identifiers: Orphanet 169090, Orphanet 317428, MedGen C2748568, MONDO:0013007, OMIM 612782.

Allele frequency attached by ClinVar (database versions not stated): TOPMed 0.00002.

Submission:

Labcorp Genetics (formerly Invitae), Labcorp
Classification: Uncertain significance for Myopathy, tubular aggregate, 2; Combined immunodeficiency due to ORAI1 deficiency. Last evaluated: 2024-11-11. Review status: criteria provided, single submitter. Criteria: Invitae Variant Classification Sherloc (09022015). Collection method: clinical testing. Allele origin: germline.
Comment: This sequence change replaces alanine, which is neutral and non-polar, with serine, which is neutral and polar, at codon 42 of the ORAI1 protein (p.Ala42Ser). This variant is present in population databases (rs782427834, gnomAD 0.01%). This variant has not been reported in the literature in individuals affected with ORAI1-related conditions. ClinVar contains an entry for this variant (Variation ID: 835802). An algorithm developed to predict the effect of missense changes on protein structure and function outputs the following: PolyPhen-2: "Not Available". The serine amino acid residue is found in multiple mammalian species, which suggests that this missense change does not adversely affect protein function. In summary, the available evidence is currently insufficient to determine the role of this variant in disease. Therefore, it has been classified as a Variant of Uncertain Significance.